The following is an entry in ClinVar:

NM_001845.6(COL4A1):c.1494C>T (p.Gly498=)

Gene: COL4A1 (collagen type IV alpha 1 chain; minus strand). Cytogenetic location: 13q34.
Variant type: single nucleotide variant.
Coding change: c.1494C>T on transcript NM_001845.6 (MANE Select); coding-DNA position 1494, C replaced by T.
Protein change: p.Gly498=; no amino-acid change (glycine 498 retained).
Molecular consequence: synonymous variant.
Genome position (GRCh38, 1-based): chr13:110,192,256, G>A on the plus strand (C>T on the coding strand, the complement: COL4A1 is on the minus strand). VCF-style: chr13-110192256-G-A. GRCh37 (hg19) VCF-style: chr13-110844603-G-A.
Other names: c.1494C>T, p.Gly498= (NM_001303110.2).
Identifiers: ClinVar variation 771592 (VCV000771592.13), dbSNP rs149046219, ClinGen allele CA7047906.
Genomic context (GRCh38, chr13:110,192,256, plus strand): 5'-TCAGACAGGTTTACTTACTGGCACTCCTGCAACACCATCTCTGCCAGGCAAACCTCTGTC[G>A]CCCTTGGCCCCTGGCTGCCCTGGGAAACCTTTCGTGAGAGAGAGGGAAAAAGACAGCAAC-3'
Protein context (NP_001836.3, residues 488-508): IGFPGQPGAK[Gly498=]DRGLPGRDGV

ClinVar aggregate classification (germline): Benign/Likely benign. Review status: criteria provided, multiple submitters, no conflicts (2 of 4 stars). 4 submissions from 4 submitters: Benign (1); Likely benign (2). 1 of the submissions does not count toward it. Last evaluated 2026-08-01.

Conditions:
COL4A1-related disorder. Also called: COL4A1-related condition; COL4A1-related disorders. Identifiers: MedGen CN376119, MONDO:0800461.

Allele frequency attached by ClinVar (database versions not stated): gnomAD exomes 0.00006 and 0.00016; ExAC 0.00021; 1000 Genomes Project 30x 0.00047; 1000 Genomes Project 0.00060; gnomAD 0.00070 and 0.00073; ESP Exome Variant Server 0.00085; TOPMed 0.00085.
gnomAD v4.1: 208 of 1,614,140 alleles (0.013%); highest among the groups gnomAD compares: African/African-American, 0.23%; no homozygotes.

Submissions (4):

CeGaT Center for Human Genetics Tuebingen
Classification: Likely benign. Last evaluated: 2026-08-01. Review status: criteria provided, single submitter. Criteria: CeGaT Center For Human Genetics Tuebingen Variant Classification Criteria Version 2. Collection method: clinical testing. Allele origin: germline. Affected: yes. Observed: 1 variant allele.
Comment: COL4A1: BP4, BP7, BS1

Labcorp Genetics (formerly Invitae), Labcorp
Classification: Benign. Last evaluated: 2025-10-07. Review status: criteria provided, single submitter. Criteria: Invitae Variant Classification Sherloc (09022015). Collection method: clinical testing. Allele origin: germline.

Blueprint Genetics
Classification: Likely benign. Last evaluated: 2023-09-04. Review status: criteria provided, single submitter. Criteria: ACMG Guidelines, 2015. Collection method: clinical testing. Allele origin: germline.

PreventionGenetics, part of Exact Sciences
Classification: Likely benign for COL4A1-related condition. Last evaluated: 2019-04-12. Review status: no assertion criteria provided. Collection method: clinical testing. Allele origin: germline. Not counted in ClinVar's aggregate classification.
Comment: This variant is classified as likely benign based on ACMG/AMP sequence variant interpretation guidelines (Richards et al. 2015 PMID: 25741868, with internal and published modifications).